The following is an entry in ClinVar:

ClinVar aggregate classification (germline): Uncertain significance. Review status: criteria provided, multiple submitters, no conflicts (2 of 4 stars). 3 submissions from 3 submitters: Uncertain significance (3). Last evaluated 2025-12-24.

Conditions:
Fanconi anemia complementation group P. Also called: SLX4-Related Fanconi Anemia. Identifiers: Orphanet 84, MedGen C3469542, MONDO:0013499, OMIM 613951.
Fanconi anemia (FA). Also called: Fanconi's anemia. Identifiers: Orphanet 84, MedGen C0015625, MeSH D005199, MONDO:0019391.

Allele frequency attached by ClinVar (database versions not stated): gnomAD exomes 0.00002 and 0.00012; gnomAD 0.00003; TOPMed 0.00007; ESP Exome Variant Server 0.00008; ExAC 0.00014; 1000 Genomes Project 30x 0.00016; 1000 Genomes Project 0.00020.

Submissions (3):

Labcorp Genetics (formerly Invitae), Labcorp
Classification: Uncertain significance for Fanconi anemia. Last evaluated: 2025-12-24. Review status: criteria provided, single submitter. Criteria: Invitae Variant Classification Sherloc (09022015). Collection method: clinical testing. Allele origin: germline.
Comment: This sequence change replaces glutamic acid, which is acidic and polar, with glutamine, which is neutral and polar, at codon 817 of the SLX4 protein (p.Glu817Gln). This variant is present in population databases (rs143730668, gnomAD 0.2%). This missense change has been observed in individual(s) with clinical features of SLX4-related conditions (PMID: 36463940, 36627197). ClinVar contains an entry for this variant (Variation ID: 407927). An algorithm developed to predict the effect of missense changes on protein structure and function (PolyPhen-2) suggests that this variant is likely to be disruptive. In summary, the available evidence is currently insufficient to determine the role of this variant in disease. Therefore, it has been classified as a Variant of Uncertain Significance.

Blueprint Genetics
Classification: Uncertain significance. Last evaluated: 2023-11-29. Review status: criteria provided, single submitter. Criteria: ACMG Guidelines, 2015. Collection method: clinical testing. Allele origin: germline.

Fulgent Genetics
Classification: Uncertain significance for Fanconi anemia complementation group P. Last evaluated: 2018-10-31. Review status: criteria provided, single submitter. Criteria: ACMG Guidelines, 2015. Collection method: clinical testing. Allele origin: unknown.

Literature cited by the submitters: PubMed 36463940 (cited by Labcorp Genetics (formerly Invitae), Labcorp); PubMed 36627197 (cited by Labcorp Genetics (formerly Invitae), Labcorp).

NM_032444.4(SLX4):c.2449G>C (p.Glu817Gln)

Gene: SLX4 (SLX4 structure-specific endonuclease subunit; minus strand). Cytogenetic location: 16p13.3.
Variant type: single nucleotide variant.
Coding change: c.2449G>C on transcript NM_032444.4 (MANE Select); coding-DNA position 2449, G replaced by C.
Protein change: p.Glu817Gln; replaces glutamic acid 817 with glutamine.
Molecular consequence: missense variant.
Genome position (GRCh38, 1-based): chr16:3,591,189, C>G on the plus strand (G>C on the coding strand, the complement: SLX4 is on the minus strand). VCF-style: chr16-3591189-C-G. GRCh37 (hg19) VCF-style: chr16-3641190-C-G.
Other names: c.2449G>C (LRG_503t1); short protein forms E817Q.
Identifiers: ClinVar variation 407927 (VCV000407927.11), dbSNP rs143730668, ClinGen allele CA7866147.